The following is an entry in ClinVar:

ClinVar aggregate classification (germline): Uncertain significance. Review status: criteria provided, multiple submitters, no conflicts (2 of 4 stars). 2 submissions from 2 submitters: Uncertain significance (2). Last evaluated 2020-09-29.

Conditions:
Inborn genetic diseases. Identifiers: MedGen C0950123, MeSH D030342.
Developmental and epileptic encephalopathy, 12 (DEE12). Identifiers: MedGen C3150988, MONDO:0013389, OMIM 613722.

Allele frequency attached by ClinVar (database versions not stated): gnomAD exomes 0.00001; gnomAD 0.00002; TOPMed 0.00002; ESP Exome Variant Server 0.00008.
gnomAD v4.1: 6 of 1,613,744 alleles (0.00037%); highest among the groups gnomAD compares: African/African-American, 0.008%; no homozygotes.

Submissions (2):

Ambry Genetics
Classification: Uncertain significance for Inborn genetic diseases. Last evaluated: 2020-09-29. Review status: criteria provided, single submitter. Criteria: Ambry Variant Classification Scheme 2023. Collection method: clinical testing. Allele origin: germline.
Comment: The p.K472T variant (also known as c.1415A>C), located in coding exon 14 of the PLCB1 gene, results from an A to C substitution at nucleotide position 1415. The lysine at codon 472 is replaced by threonine, an amino acid with similar properties. This amino acid position is highly conserved in available vertebrate species. In addition, this alteration is predicted to be tolerated by in silico analysis. This missense alteration is located in a region that has a low rate of benign missense variation (Lek M et al. Nature. 2016 Aug 18;536(7616):285-91; DECIPHER: Database of Chromosomal Imbalance and Phenotype in Humans using Ensembl Resources. Firth H.V. et al. 2009. Am.J.Hum.Genet. 84, 524-533 (DOI)). Since supporting evidence is limited at this time, the clinical significance of this alteration remains unclear.

Labcorp Genetics (formerly Invitae), Labcorp
Classification: Uncertain significance for Developmental and epileptic encephalopathy, 12. Last evaluated: 2019-11-13. Review status: criteria provided, single submitter. Criteria: Invitae Variant Classification Sherloc (09022015). Collection method: clinical testing. Allele origin: germline.
Comment: This sequence change replaces lysine with threonine at codon 472 of the PLCB1 protein (p.Lys472Thr). The lysine residue is moderately conserved and there is a moderate physicochemical difference between lysine and threonine. This variant is not present in population databases (ExAC no frequency). This variant has not been reported in the literature in individuals with PLCB1-related conditions. Algorithms developed to predict the effect of missense changes on protein structure and function (SIFT, PolyPhen-2, Align-GVGD) all suggest that this variant is likely to be tolerated, but these predictions have not been confirmed by published functional studies and their clinical significance is uncertain. In summary, the available evidence is currently insufficient to determine the role of this variant in disease. Therefore, it has been classified as a Variant of Uncertain Significance.

NM_015192.4(PLCB1):c.1415A>C (p.Lys472Thr)

Gene: PLCB1 (phospholipase C beta 1; plus strand). Cytogenetic location: 20p12.3.
Variant type: single nucleotide variant.
Coding change: c.1415A>C on transcript NM_015192.4 (MANE Select); coding-DNA position 1415, A replaced by C.
Protein change: p.Lys472Thr; replaces lysine 472 with threonine.
Molecular consequence: missense variant.
Genome position (GRCh38, 1-based): chr20:8,717,750, A>C. VCF-style: chr20-8717750-A-C. GRCh37 (hg19) VCF-style: chr20-8698397-A-C.
Other names: c.1415A>C, p.Lys472Thr (NM_182734.3); short protein forms K472T.
Identifiers: ClinVar variation 965807 (VCV000965807.12), dbSNP rs368448785, ClinGen allele CA311247644.